The following is an entry in ClinVar:

ClinVar aggregate classification (germline): Pathogenic (1 of 4 stars; one submission).

Conditions:
Familial thoracic aortic aneurysm and aortic dissection (TAAD). Also called: Thoracic aortic aneurysms and dissections. Identifiers: Orphanet 91387, MedGen C4707243, MONDO:0019625.

Submission:

Ambry Genetics
Classification: Pathogenic for Familial thoracic aortic aneurysm and aortic dissection. Last evaluated: 2022-10-04. Review status: criteria provided, single submitter. Criteria: Ambry Variant Classification Scheme 2023. Collection method: clinical testing. Allele origin: germline.
Comment: The c.1302_1303dupTG pathogenic mutation, located in coding exon 8 of the TGFBR1 gene, results from a duplication of two nucleotides at positions 1302 to 1303, causing a translational frameshift with a predicted alternate stop codon (p.D435Vfs*8). This alteration is expected to result in loss of function by premature protein truncation or nonsense-mediated mRNA decay. This variant is considered to be rare based on population cohorts in the Genome Aggregation Database (gnomAD). Based on the supporting evidence, this variant is pathogenic for an increased risk of multiple self-healing squamous epithelioma (MSSE); however, the association of this variant with TGFBR1-related Loeys-Dietz syndrome is unknown.

NM_004612.4(TGFBR1):c.1302_1303dup (p.Asp435fs)

Gene: TGFBR1 (transforming growth factor beta receptor 1; plus strand). Cytogenetic location: 9q22.33.
Variant type: Duplication.
Coding change: c.1302_1303dup on transcript NM_004612.4 (MANE Select); coding-DNA positions 1302 to 1303, 2 bases duplicated (TG; older notation c.1302_1303dupTG).
Protein change: p.Asp435fs; shifts the reading frame from aspartic acid 435.
Molecular consequence: frameshift variant.
Genome position (GRCh38, 1-based): chr9:99,147,700-99,147,701, TG duplicated. VCF-style (leftmost placement, unchanged base first): chr9-99147699-C-CTG. GRCh37 (hg19) VCF-style: chr9-101909981-C-CTG.
Other names: c.1071_1072dup, p.Asp358fs (NM_001130916.3); c.1314_1315dup, p.Asp439fs (NM_001306210.2); short protein forms D439fs, D435fs, D358fs.
Identifiers: ClinVar variation 263856 (VCV000263856.5), dbSNP rs886038954, ClinGen allele CA10587687.
Genomic context (GRCh38, chr9:99,147,699, plus strand): 5'-TTTAAACTGATACAGGAATTCATGAAGATTACCAACTGCCTTATTATGATCTTGTACCTT[C>CTG]TGACCCATCAGTTGAAGAAATGAGAAAAGTTGTTTGTGAACAGAAGTTAAGGCCAAATAT-3'